The following is an entry in ClinVar:

NM_173630.4(RTTN):c.5570T>C (p.Ile1857Thr)

Gene: RTTN (rotatin; minus strand). Cytogenetic location: 18q22.2.
Variant type: single nucleotide variant.
Coding change: c.5570T>C on transcript NM_173630.4 (MANE Select); coding-DNA position 5570, T replaced by C.
Protein change: p.Ile1857Thr; replaces isoleucine 1857 with threonine.
Molecular consequence: missense variant.
Genome position (GRCh38, 1-based): chr18:70,030,953, A>G on the plus strand (T>C on the coding strand, the complement: RTTN is on the minus strand). VCF-style: chr18-70030953-A-G. GRCh37 (hg19) VCF-style: chr18-67698189-A-G.
Other names: c.2834T>C, p.Ile945Thr (NM_001318520.2); short protein forms I945T, I1857T.
Identifiers: ClinVar variation 1437239 (VCV001437239.4), dbSNP rs369861224, ClinGen allele CA8994906.

ClinVar aggregate classification (germline): Uncertain significance (1 of 4 stars; one submission).

Allele frequency attached by ClinVar (database versions not stated): gnomAD exomes 0.00002 and 0.00003; ExAC 0.00003; gnomAD 0.00003 and 0.00004; TOPMed 0.00003; ESP Exome Variant Server 0.00008; 1000 Genomes Project 30x 0.00016.
gnomAD v4.1: 45 of 1,613,444 alleles (0.0028%); highest among the groups gnomAD compares: Middle Eastern, 0.099%; no homozygotes.

Submission:

Labcorp Genetics (formerly Invitae), Labcorp
Classification: Uncertain significance. Last evaluated: 2024-09-16. Review status: criteria provided, single submitter. Criteria: Invitae Variant Classification Sherloc (09022015). Collection method: clinical testing. Allele origin: germline.
Comment: This sequence change replaces isoleucine, which is neutral and non-polar, with threonine, which is neutral and polar, at codon 1857 of the RTTN protein (p.Ile1857Thr). This variant is present in population databases (rs369861224, gnomAD 0.01%). This variant has not been reported in the literature in individuals affected with RTTN-related conditions. ClinVar contains an entry for this variant (Variation ID: 1437239). Invitae Evidence Modeling of protein sequence and biophysical properties (such as structural, functional, and spatial information, amino acid conservation, physicochemical variation, residue mobility, and thermodynamic stability) indicates that this missense variant is not expected to disrupt RTTN protein function with a negative predictive value of 80%. In summary, the available evidence is currently insufficient to determine the role of this variant in disease. Therefore, it has been classified as a Variant of Uncertain Significance.